The following is an entry in ClinVar:

NM_001849.4(COL6A2):c.463C>T (p.His155Tyr)

Gene: COL6A2 (collagen type VI alpha 2 chain; plus strand). Cytogenetic location: 21q22.3.
Variant type: single nucleotide variant.
Coding change: c.463C>T on transcript NM_001849.4 (MANE Select); coding-DNA position 463, C replaced by T.
Protein change: p.His155Tyr; replaces histidine 155 with tyrosine.
Molecular consequence: missense variant.
Genome position (GRCh38, 1-based): chr21:46,112,326, C>T. VCF-style: chr21-46112326-C-T. GRCh37 (hg19) VCF-style: chr21-47532240-C-T.
Other names: c.463C>T, p.His155Tyr (NM_058174.3, NM_058175.3); short protein forms H155Y.
Identifiers: ClinVar variation 1934878 (VCV001934878.5), dbSNP rs2516989879, ClinGen allele CA410521690.

ClinVar aggregate classification (germline): Uncertain significance (1 of 4 stars; one submission).

Conditions:
Bethlem myopathy 1A. Also called: MYOPATHY, BENIGN CONGENITAL, WITH CONTRACTURES; Bethlem myopathy 1; Bethlem Muscular Dystrophy. Identifiers: Orphanet 610, MedGen CN029274, MONDO:0024530, OMIM 158810.

Allele frequency attached by ClinVar (database versions not stated): gnomAD exomes below 0.00001.
gnomAD v4.1: 1 of 1,611,472 alleles (0.000062%); highest among the groups gnomAD compares: South Asian, 0.0011%; no homozygotes.

Submission:

Labcorp Genetics (formerly Invitae), Labcorp
Classification: Uncertain significance for Bethlem myopathy 1A. Last evaluated: 2022-06-04. Review status: criteria provided, single submitter. Criteria: Invitae Variant Classification Sherloc (09022015). Collection method: clinical testing. Allele origin: germline.
Comment: In summary, the available evidence is currently insufficient to determine the role of this variant in disease. Therefore, it has been classified as a Variant of Uncertain Significance. Advanced modeling of protein sequence and biophysical properties (such as structural, functional, and spatial information, amino acid conservation, physicochemical variation, residue mobility, and thermodynamic stability) performed at Invitae indicates that this missense variant is not expected to disrupt COL6A2 protein function. This variant has not been reported in the literature in individuals affected with COL6A2-related conditions. This variant is not present in population databases (gnomAD no frequency). This sequence change replaces histidine, which is basic and polar, with tyrosine, which is neutral and polar, at codon 155 of the COL6A2 protein (p.His155Tyr).